The following is an entry in ClinVar:

NM_004630.4(SF1):c.1302G>C (p.Gln434His)

Gene: SF1 (splicing factor 1; minus strand). Cytogenetic location: 11q13.1.
Variant type: single nucleotide variant.
Coding change: c.1302G>C on transcript NM_004630.4 (MANE Select); coding-DNA position 1302, G replaced by C.
Protein change: p.Gln434His; replaces glutamine 434 with histidine.
Molecular consequence: missense variant.
Genome position (GRCh38, 1-based): chr11:64,767,611, C>G on the plus strand (G>C on the coding strand, the complement: SF1 is on the minus strand). VCF-style: chr11-64767611-C-G. GRCh37 (hg19) VCF-style: chr11-64535083-C-G.
Other names: c.1677G>C, p.Gln559His (NM_001178030.2, NM_001378956.1, NM_001378957.1 and 2 more transcripts); c.1224G>C, p.Gln408His (NM_001178031.3, NM_001440584.1, NM_001440585.1); c.1302G>C, p.Gln434His (NM_001346363.2, NM_001346364.2, NM_001440582.1 and 4 more transcripts); c.957G>C, p.Gln319His (NM_001346409.2, NM_001346410.2); short protein forms Q408H, Q434H, Q559H, Q319H.
Identifiers: ClinVar variation 5009326 (VCV005009326.1).

ClinVar aggregate classification (germline): Uncertain significance (1 of 4 stars; one submission).

gnomAD v4.1: 1 of 1,584,470 alleles (0.000063%); highest among the groups gnomAD compares: Admixed American, 0.0019%; no homozygotes.

Submission:

GeneDx
Classification: Uncertain significance. Last evaluated: 2026-03-17. Review status: criteria provided, single submitter. Criteria: GeneDx Variant Classification Process June 2021. Collection method: clinical testing. Allele origin: germline.
Comment: Not observed at significant frequency in large population cohorts (gnomAD); In silico analysis supports that this missense variant has a deleterious effect on protein structure/function; Has not been previously published as pathogenic or benign to our knowledge